The following is an entry in ClinVar:

NM_000069.3(CACNA1S):c.4121A>G (p.Asn1374Ser)

Gene: CACNA1S (calcium voltage-gated channel subunit alpha1 S; minus strand). Cytogenetic location: 1q32.1.
Variant type: single nucleotide variant.
Coding change: c.4121A>G on transcript NM_000069.3 (MANE Select); coding-DNA position 4121, A replaced by G.
Protein change: p.Asn1374Ser; replaces asparagine 1374 with serine.
Molecular consequence: missense variant.
Genome position (GRCh38, 1-based): chr1:201,050,509, T>C on the plus strand (A>G on the coding strand, the complement: CACNA1S is on the minus strand). VCF-style: chr1-201050509-T-C. GRCh37 (hg19) VCF-style: chr1-201019637-T-C.
Other names: short protein forms N1374S.
Identifiers: ClinVar variation 3386310 (VCV003386310.1).

ClinVar aggregate classification (germline): Uncertain significance (1 of 4 stars; one submission).

Conditions:
Malignant hyperthermia, susceptibility to, 5 (MHS5). Also called: CACNA1S-Related Malignant Hyperthermia Susceptibility. Identifiers: Orphanet 423, MedGen C1866077, MONDO:0011163, OMIM 601887.

Submission:

All of Us Research Program, National Institutes of Health
Classification: Uncertain significance for Malignant hyperthermia, susceptibility to, 5. Last evaluated: 2024-03-05. Review status: criteria provided, single submitter. Criteria: ACMG Guidelines, 2015. Collection method: clinical testing. Allele origin: germline. Inheritance: Autosomal dominant inheritance. Observed: 1 variant allele, 1 heterozygote.
Comment: This study involves interpretation of variants in research participants for the purpose of population health screening. Participant phenotype was not available at the time of variant classification. Additional details can be found in publication PMID: 35346344, PMCID: PMC8962531